The following is an entry in ClinVar:

NM_001035.3(RYR2):c.9184G>A (p.Asp3062Asn)

Gene: RYR2 (ryanodine receptor 2; plus strand). Cytogenetic location: 1q43.
Variant type: single nucleotide variant.
Coding change: c.9184G>A on transcript NM_001035.3 (MANE Select); coding-DNA position 9184, G replaced by A.
Protein change: p.Asp3062Asn; replaces aspartic acid 3062 with asparagine.
Molecular consequence: missense variant.
Genome position (GRCh38, 1-based): chr1:237,700,284, G>A. VCF-style: chr1-237700284-G-A. GRCh37 (hg19) VCF-style: chr1-237863584-G-A.
Other names: short protein forms D3062N.
Identifiers: ClinVar variation 3075434 (VCV003075434.2), dbSNP rs2547364478, ClinGen allele CA345405577.

ClinVar aggregate classification (germline): Uncertain significance. Review status: criteria provided, multiple submitters, no conflicts (2 of 4 stars). 2 submissions from 2 submitters: Uncertain significance (2). Last evaluated 2024-02-05.

Conditions:
Cardiomyopathy (CMYO). Also called: Cardiomyopathies. Identifiers: Orphanet 167848, MedGen C0878544, MONDO:0004994, HP:0001638. Inheritance: Various modes of inheritance.
Catecholaminergic polymorphic ventricular tachycardia (CVPT). Also called: Catecholamine-induced polymorphic ventricular tachycardia. Identifiers: Orphanet 3286, MedGen C5574922, MONDO:0017990.

Submissions (2):

All of Us Research Program, National Institutes of Health
Classification: Uncertain significance for Catecholaminergic polymorphic ventricular tachycardia. Last evaluated: 2024-02-05. Review status: criteria provided, single submitter. Criteria: ACMG Guidelines, 2015. Collection method: clinical testing. Allele origin: germline. Inheritance: Autosomal dominant inheritance. Observed: 1 variant allele, 1 heterozygote.
Comment: This missense variant replaces aspartic acid with asparagine at codon 3062 of the RYR2 protein. Computational prediction suggests that this variant may not impact protein structure and function (internally defined REVEL score threshold <= 0.5, PMID: 27666373). To our knowledge, functional studies have not been reported for this variant. This variant has not been reported in individuals affected with RYR2-related disorders in the literature. This variant has not been identified in the general population by the Genome Aggregation Database (gnomAD). The available evidence is insufficient to determine the role of this variant in disease conclusively. Therefore, this variant is classified as a Variant of Uncertain Significance.

This study involves interpretation of variants in research participants for the purpose of population health screening. Participant phenotype was not available at the time of variant classification. Additional details can be found in publication PMID: 35346344, PMCID: PMC8962531

Color Diagnostics, LLC DBA Color Health
Classification: Uncertain significance for Cardiomyopathy. Last evaluated: 2024-01-25. Review status: criteria provided, single submitter. Criteria: ACMG Guidelines, 2015. Collection method: clinical testing. Allele origin: germline.
Comment: This missense variant replaces aspartic acid with asparagine at codon 3062 of the RYR2 protein. Computational prediction suggests that this variant may not impact protein structure and function (internally defined REVEL score threshold <= 0.5, PMID: 27666373). To our knowledge, functional studies have not been reported for this variant. This variant has not been reported in individuals affected with RYR2-related disorders in the literature. This variant has not been identified in the general population by the Genome Aggregation Database (gnomAD). The available evidence is insufficient to determine the role of this variant in disease conclusively. Therefore, this variant is classified as a Variant of Uncertain Significance.